The following is an entry in ClinVar:

NM_018451.5(CPAP):c.3947C>T (p.Thr1316Met)

Genes: RNF17 (ring finger protein 17; plus strand), CPAP (centrosome assembly and centriole elongation protein; minus strand). Cytogenetic location: 13q12.12.
Variant type: single nucleotide variant.
Coding change: c.3947C>T on transcript NM_018451.5 (MANE Select); coding-DNA position 3947, C replaced by T.
Protein change: p.Thr1316Met; replaces threonine 1316 with methionine.
Molecular consequence: missense variant. On other transcripts: non-coding transcript variant (2).
Genome position (GRCh38, 1-based): chr13:24,883,247, G>A on the plus strand (C>T on the coding strand, the complement: CPAP is on the minus strand). VCF-style: chr13-24883247-G-A. GRCh37 (hg19) VCF-style: chr13-25457385-G-A.
Other names: short protein forms T1316M.
Identifiers: ClinVar variation 4291889 (VCV004291889.1).

ClinVar aggregate classification (germline): Uncertain significance (1 of 4 stars; one submission).

Conditions:
Microcephaly 6, primary, autosomal recessive. Identifiers: Orphanet 2512, MedGen C1842109, MONDO:0012029, OMIM 608393.

gnomAD v4.1: 18 of 1,613,924 alleles (0.0011%); highest among the groups gnomAD compares: South Asian, 0.0099%; no homozygotes.

Submission:

3billion
Classification: Uncertain significance for Microcephaly 6, primary, autosomal recessive. Last evaluated: 2025-01-24. Review status: criteria provided, single submitter. Criteria: ACMG Guidelines, 2015. Collection method: clinical testing. Allele origin: germline. Affected: yes.
Comment: The variant is observed at an extremely low frequency in the gnomAD v4.1.0 dataset (total allele frequency: 0.001%). Predicted Consequence/Location: Missense variant. The majority of the known disease-causing variants of this gene are variants expected to result in premature termination of the protein. In silico tool predictions suggest damaging effect of the variant on gene or gene product [REVEL: 0.70 (>=0.6, sensitivity 0.68 and specificity 0.92)]. Therefore, this variant is classified as VUS according to the recommendation of ACMG/AMP guideline.